The following is an entry in ClinVar:

ClinVar aggregate classification (germline): Uncertain significance. Review status: criteria provided, multiple submitters, no conflicts (2 of 4 stars). 2 submissions from 2 submitters: Uncertain significance (2). Last evaluated 2024-10-15.

Conditions:
Inborn genetic diseases. Identifiers: MedGen C0950123, MeSH D030342.
Mosaic variegated aneuploidy syndrome 2 (MVA2). Identifiers: Orphanet 1052, MedGen C3279843, MONDO:0013582, OMIM 614114.

Allele frequency attached by ClinVar (database versions not stated): TOPMed below 0.00001; ExAC 0.00001; ESP Exome Variant Server 0.00008.
gnomAD v4.1: 4 of 1,613,906 alleles (0.00025%); highest among the groups gnomAD compares: African/African-American, 0.0027%; no homozygotes.

Submissions (2):

Ambry Genetics
Classification: Uncertain significance for Inborn genetic diseases. Last evaluated: 2024-10-15. Review status: criteria provided, single submitter. Criteria: Ambry Variant Classification Scheme 2023. Collection method: clinical testing. Allele origin: germline.
Comment: The p.K383E variant (also known as c.1147A>G), located in coding exon 10 of the CEP57 gene, results from an A to G substitution at nucleotide position 1147. The lysine at codon 383 is replaced by glutamic acid, an amino acid with similar properties. This amino acid position is conserved. In addition, this alteration is predicted to be tolerated by in silico analysis. Based on the available evidence, the clinical significance of this variant remains unclear.

Labcorp Genetics (formerly Invitae), Labcorp
Classification: Uncertain significance for Mosaic variegated aneuploidy syndrome 2. Last evaluated: 2023-07-25. Review status: criteria provided, single submitter. Criteria: Invitae Variant Classification Sherloc (09022015). Collection method: clinical testing. Allele origin: germline.
Comment: In summary, the available evidence is currently insufficient to determine the role of this variant in disease. Therefore, it has been classified as a Variant of Uncertain Significance. This sequence change replaces lysine, which is basic and polar, with glutamic acid, which is acidic and polar, at codon 383 of the CEP57 protein (p.Lys383Glu). This variant is present in population databases (rs370861671, gnomAD 0.007%). This variant has not been reported in the literature in individuals affected with CEP57-related conditions. ClinVar contains an entry for this variant (Variation ID: 2255534). Advanced modeling of protein sequence and biophysical properties (such as structural, functional, and spatial information, amino acid conservation, physicochemical variation, residue mobility, and thermodynamic stability) performed at Invitae indicates that this missense variant is not expected to disrupt CEP57 protein function.

NM_014679.5(CEP57):c.1147A>G (p.Lys383Glu)

Gene: CEP57 (centrosomal protein 57; plus strand). Cytogenetic location: 11q21.
Variant type: single nucleotide variant.
Coding change: c.1147A>G on transcript NM_014679.5 (MANE Select); coding-DNA position 1147, A replaced by G.
Protein change: p.Lys383Glu; replaces lysine 383 with glutamic acid.
Molecular consequence: missense variant.
Genome position (GRCh38, 1-based): chr11:95,829,206, A>G. VCF-style: chr11-95829206-A-G. GRCh37 (hg19) VCF-style: chr11-95562370-A-G.
Other names: c.1120A>G, p.Lys374Glu (NM_001243776.2); c.1069A>G, p.Lys357Glu (NM_001243777.2); c.1066A>G, p.Lys356Glu (NM_001363604.2); short protein forms K357E, K383E, K356E, K374E.
Identifiers: ClinVar variation 2255534 (VCV002255534.6), dbSNP rs370861671, ClinGen allele CA6239720.